The following is an entry in ClinVar:

ClinVar aggregate classification (germline): Likely benign. Review status: criteria provided, multiple submitters, no conflicts (2 of 4 stars). 2 submissions from 2 submitters: Likely benign (2). Last evaluated 2024-10-28.

gnomAD v4.1: 7 of 1,585,712 alleles (0.00044%); highest among the groups gnomAD compares: South Asian, 0.0011%; no homozygotes.

Submissions (3):

Labcorp Genetics (formerly Invitae), Labcorp
Classification: Likely benign. Last evaluated: 2024-10-28. Review status: criteria provided, single submitter. Criteria: Invitae Variant Classification Sherloc (09022015). Collection method: clinical testing. Allele origin: germline.

CeGaT Center for Human Genetics Tuebingen
Classification: Likely benign. Last evaluated: 2022-11-01. Review status: criteria provided, single submitter. Criteria: CeGaT Center For Human Genetics Tuebingen Variant Classification Criteria Version 2. Collection method: clinical testing. Allele origin: germline. Affected: yes. Observed: 1 variant allele.
Comment: TRRAP: BP4, BS2

Dr. Peter K. Rogan Lab, Western University
No classification provided (evidence only). Condition: Cervical cancer. Review status: no classification provided. Collection method: in vitro. Allele origin: not applicable. Functional consequence: retained intron. Not counted in ClinVar's aggregate classification.

NM_001375524.1(TRRAP):c.9289-6G>C

Gene: TRRAP (transformation/transcription domain associated protein; plus strand). Cytogenetic location: 7q22.1.
Variant type: single nucleotide variant.
Coding change: c.9289-6G>C on transcript NM_001375524.1 (MANE Select); 6 bases into the intron before coding-DNA position 9289, G replaced by C.
Molecular consequence: intron variant.
Genome position (GRCh38, 1-based): chr7:98,984,938, G>C. VCF-style: chr7-98984938-G-C. GRCh37 (hg19) VCF-style: chr7-98582561-G-C.
Other names: c.9301-6G>C (NM_001244580.2); c.9214-6G>C (NM_003496.4).
Identifiers: ClinVar variation 2657712 (VCV002657712.27), dbSNP rs374134490, ClinGen allele CA576386765.